The following is an entry in ClinVar:

NM_005235.3(ERBB4):c.1290-5_1290-3del

Gene: ERBB4 (erb-b2 receptor tyrosine kinase 4; minus strand). Cytogenetic location: 2q34.
Variant type: Deletion.
Coding change: c.1290-5_1290-3del on transcript NM_005235.3 (MANE Select); 5 bases into the intron before coding-DNA position 1290 through 3 bases into the intron before coding-DNA position 1290, 3 bases deleted (CTT; older notation c.1290-5_1290-3delCTT).
Molecular consequence: intron variant.
Genome position (GRCh38, 1-based): chr2:211,702,169-211,702,171, AAG deleted on the plus strand (CTT on the coding strand, the reverse complement: ERBB4 is on the minus strand). VCF-style (leftmost placement, unchanged base first): chr2-211702168-TAAG-T. GRCh37 (hg19) VCF-style: chr2-212566893-TAAG-T.
Other names: c.1290-5_1290-3del (NM_001042599.2, NM_001439006.1, NM_001439005.1).
Identifiers: ClinVar variation 3610005 (VCV003610005.2).

ClinVar aggregate classification (germline): Uncertain significance (1 of 4 stars; one submission).

Submission:

Labcorp Genetics (formerly Invitae), Labcorp
Classification: Uncertain significance. Last evaluated: 2026-01-12. Review status: criteria provided, single submitter. Criteria: Invitae Variant Classification Sherloc (09022015). Collection method: clinical testing. Allele origin: germline.
Comment: This sequence change falls in intron 11 of the ERBB4 gene. It does not directly change the encoded amino acid sequence of the ERBB4 protein. It affects a nucleotide within the consensus splice site. This variant is present in population databases (no rsID available, gnomAD 0.0009%). This variant has not been reported in the literature in individuals affected with ERBB4-related conditions. ClinVar contains an entry for this variant (Variation ID: 3610005). Variants that disrupt the consensus splice site are a relatively common cause of aberrant splicing (PMID: 17576681, 9536098). Algorithms developed to predict the effect of sequence changes on RNA splicing suggest that this variant is not likely to affect RNA splicing. In summary, the available evidence is currently insufficient to determine the role of this variant in disease. Therefore, it has been classified as a Variant of Uncertain Significance.

Literature cited by the submitters: PubMed 17576681; PubMed 9536098.